The following is an entry in ClinVar:

NM_001393586.1(MYO7B):c.6153C>T (p.Val2051=)

Gene: MYO7B (myosin VIIB; plus strand). Cytogenetic location: 2q14.3.
Variant type: single nucleotide variant.
Coding change: c.6153C>T on transcript NM_001393586.1 (MANE Select); coding-DNA position 6153, C replaced by T.
Protein change: p.Val2051=; no amino-acid change (valine 2051 retained).
Molecular consequence: synonymous variant.
Genome position (GRCh38, 1-based): chr2:127,636,574, C>T. VCF-style: chr2-127636574-C-T. GRCh37 (hg19) VCF-style: chr2-128394149-C-T.
Other names: c.6075C>T, p.Val2025= (NM_001080527.2); c.2634C>T, p.Val878= (NM_001393594.1).
Identifiers: ClinVar variation 3052172 (VCV003052172.2), dbSNP rs1035310604, ClinGen allele CA55419959.

ClinVar aggregate classification (germline): Likely benign (0 of 4 stars; one submission).

Conditions:
MYO7B-related disorder. Also called: MYO7B-related condition.

Allele frequency attached by ClinVar (database versions not stated): gnomAD exomes below 0.00001; gnomAD 0.00009; TOPMed 0.00027.
gnomAD v4.1: 26 of 1,612,836 alleles (0.0016%); highest among the groups gnomAD compares: Admixed American, 0.028%; no homozygotes.

Submission:

PreventionGenetics, part of Exact Sciences
Classification: Likely benign for MYO7B-related condition. Last evaluated: 2019-02-21. Review status: no assertion criteria provided. Collection method: clinical testing. Allele origin: germline.
Comment: This variant is classified as likely benign based on ACMG/AMP sequence variant interpretation guidelines (Richards et al. 2015 PMID: 25741868, with internal and published modifications).